The following is an entry in ClinVar:

NM_153704.6(TMEM67):c.1288+15C>T

Gene: TMEM67 (transmembrane protein 67; plus strand). Cytogenetic location: 8q22.1.
Variant type: single nucleotide variant.
Coding change: c.1288+15C>T on transcript NM_153704.6 (MANE Select); 15 bases into the intron after coding-DNA position 1288, C replaced by T.
Molecular consequence: intron variant.
Genome position (GRCh38, 1-based): chr8:93,785,393, C>T. VCF-style: chr8-93785393-C-T. GRCh37 (hg19) VCF-style: chr8-94797621-C-T.
Other names: c.1045+15C>T (NM_001142301.1).
Identifiers: ClinVar variation 388118 (VCV000388118.11), dbSNP rs1057523004, ClinGen allele CA16605277.

ClinVar aggregate classification (germline): Likely benign. Review status: criteria provided, multiple submitters, no conflicts (2 of 4 stars). 4 submissions from 4 submitters: Likely benign (4). Last evaluated 2026-02-01.

Conditions:
Meckel-Gruber syndrome. Also called: GRUBER SYNDROME; Dysencephalia splachnocystica; DYSENCEPHALIA SPLANCHNOCYSTICA. Identifiers: Orphanet 564, MedGen C0265215, MONDO:0018921.
Joubert syndrome. Also called: JOUBERT-BOLTSHAUSER SYNDROME; Familial aplasia of the vermis. Identifiers: Orphanet 475, MedGen C5979921, MONDO:0018772.
Meckel syndrome, type 3 (MKS3). Also called: MECKEL-GRUBER SYNDROME, TYPE 3. Identifiers: Orphanet 564, MedGen C1846357, MONDO:0011821, OMIM 607361.
Nephronophthisis 11 (NPHP11). Identifiers: Orphanet 84081, MedGen C3150796, MONDO:0013302, OMIM 613550.
Joubert syndrome 6 (JBTS6). Identifiers: Orphanet 475, MedGen C1853153, MONDO:0012539, OMIM 610688.
Bardet-Biedl syndrome 14 (BBS14). Identifiers: Orphanet 110, MedGen C2673874, MONDO:0014442, OMIM 615991.
RHYNS syndrome. Also called: RETINITIS PIGMENTOSA SYNDROME; RETINITIS PIGMENTOSA, HYPOPITUITARISM, NEPHRONOPHTHISIS, AND MILD SKELETAL DYSPLASIA. Identifiers: Orphanet 140976, MedGen C1865794, MONDO:0011202, OMIM 602152.
COACH syndrome 1. Identifiers: Orphanet 1454, MedGen C5435651, MONDO:0800103, OMIM 216360, MONDO:0008996.

Allele frequency attached by ClinVar (database versions not stated): gnomAD exomes below 0.00001; TOPMed below 0.00001.
gnomAD v4.1: 13 of 1,610,040 alleles (0.00081%); highest among the groups gnomAD compares: African/African-American, 0.008%; no homozygotes.

Submissions (4):

Labcorp Genetics (formerly Invitae), Labcorp
Classification: Likely benign for Joubert syndrome; Meckel-Gruber syndrome. Last evaluated: 2026-02-01. Review status: criteria provided, single submitter. Criteria: Invitae Variant Classification Sherloc (09022015). Collection method: clinical testing. Allele origin: germline.

Blueprint Genetics
Classification: Likely benign. Last evaluated: 2024-09-23. Review status: criteria provided, single submitter. Criteria: ACMG Guidelines, 2015. Collection method: clinical testing. Allele origin: germline.

Fulgent Genetics
Classification: Likely benign for COACH syndrome 1; RHYNS syndrome; Meckel syndrome, type 3; Joubert syndrome 6; Nephronophthisis 11; Bardet-Biedl syndrome 14. Last evaluated: 2022-01-18. Review status: criteria provided, single submitter. Criteria: ACMG Guidelines, 2015. Collection method: clinical testing. Allele origin: unknown.

GeneDx
Classification: Likely benign. Last evaluated: 2016-08-03. Review status: criteria provided, single submitter. Criteria: GeneDx Variant Classification (06012015). Collection method: clinical testing. Allele origin: germline. Affected: yes.
Comment: This variant is considered likely benign or benign based on one or more of the following criteria: it is a conservative change, it occurs at a poorly conserved position in the protein, it is predicted to be benign by multiple in silico algorithms, and/or has population frequency not consistent with disease.